The following is an entry in ClinVar:

NM_007194.4(CHEK2):c.715G>C (p.Glu239Gln)

Gene: CHEK2 (checkpoint kinase 2; minus strand). Cytogenetic location: 22q12.1.
Variant type: single nucleotide variant.
Coding change: c.715G>C on transcript NM_007194.4 (MANE Select); coding-DNA position 715, G replaced by C.
Protein change: p.Glu239Gln; replaces glutamic acid 239 with glutamine.
Molecular consequence: missense variant.
Genome position (GRCh38, 1-based): chr22:28,711,986, C>G on the plus strand (G>C on the coding strand, the complement: CHEK2 is on the minus strand). VCF-style: chr22-28711986-C-G. GRCh37 (hg19) VCF-style: chr22-29107974-C-G.
Other names: c.844G>C, p.Glu282Gln (NM_001005735.3); c.52G>C, p.Glu18Gln (NM_001257387.3); c.514G>C, p.Glu172Gln (NM_001349956.3); c.715G>C, p.Glu239Gln (NM_145862.3); short protein forms E239Q, E282Q, E18Q, E172Q.
Identifiers: ClinVar variation 485517 (VCV000485517.19), dbSNP rs121908702, ClinGen allele CA411103385.

ClinVar aggregate classification (germline): Uncertain significance. Review status: criteria provided, multiple submitters, no conflicts (2 of 4 stars). 3 submissions from 3 submitters: Uncertain significance (3). Last evaluated 2025-08-12.

Conditions:
Hereditary cancer-predisposing syndrome. Also called: Tumor predisposition; Hereditary Cancer Syndrome; Hereditary neoplastic syndrome; Neoplastic Syndromes, Hereditary. Identifiers: Orphanet 140162, MedGen C0027672, MeSH D009386, MONDO:0015356.
Familial cancer of breast. Also called: hereditary breast carcinoma; BREAST CANCER, FAMILIAL; Hereditary breast cancer. Identifiers: Orphanet 227535, MedGen C0346153, MONDO:0016419, OMIM 114480. Disease mechanism: loss of function.

gnomAD v4.1: 1 of 1,613,902 alleles (0.000062%); highest among the groups gnomAD compares: Non-Finnish European, 0.000085%; no homozygotes.

Submissions (3):

Color Diagnostics, LLC DBA Color Health
Classification: Uncertain significance for Hereditary cancer-predisposing syndrome. Last evaluated: 2025-08-12. Review status: criteria provided, single submitter. Criteria: ACMG Guidelines, 2015. Collection method: clinical testing. Allele origin: germline.
Comment: This missense variant replaces glutamic acid with glutamine at codon 239 of the CHEK2 protein. Computational prediction suggests that this variant may not impact protein structure and function. This variant was reported to have normal function in a yeast-based DNA damage response assay (PMID: 30851065). This variant has not been reported in individuals affected with hereditary cancer in the literature. This variant has been identified in 1/251364 chromosomes in the general population by the Genome Aggregation Database (gnomAD). The available evidence is insufficient to determine the role of this variant in disease conclusively. Therefore, this variant is classified as a Variant of Uncertain Significance.

Labcorp Genetics (formerly Invitae), Labcorp
Classification: Uncertain significance for Familial cancer of breast. Last evaluated: 2022-08-16. Review status: criteria provided, single submitter. Criteria: Invitae Variant Classification Sherloc (09022015). Collection method: clinical testing. Allele origin: germline.
Comment: In summary, the available evidence is currently insufficient to determine the role of this variant in disease. Therefore, it has been classified as a Variant of Uncertain Significance. Experimental studies have shown that this missense change does not substantially affect CHEK2 function (PMID: 30851065). Algorithms developed to predict the effect of missense changes on protein structure and function (SIFT, PolyPhen-2, Align-GVGD) all suggest that this variant is likely to be tolerated. ClinVar contains an entry for this variant (Variation ID: 485517). This variant has not been reported in the literature in individuals affected with CHEK2-related conditions. This variant is present in population databases (rs121908702, gnomAD 0.0009%). This sequence change replaces glutamic acid, which is acidic and polar, with glutamine, which is neutral and polar, at codon 239 of the CHEK2 protein (p.Glu239Gln).

Ambry Genetics
Classification: Uncertain significance for Hereditary cancer-predisposing syndrome. Last evaluated: 2020-09-24. Review status: criteria provided, single submitter. Criteria: Ambry Variant Classification Scheme 2023. Collection method: clinical testing. Allele origin: germline.
Comment: The p.E239Q variant (also known as c.715G>C), located in coding exon 5 of the CHEK2 gene, results from a G to C substitution at nucleotide position 715. The glutamic acid at codon 239 is replaced by glutamine, an amino acid with highly similar properties. This alteration behaved as functional in an in vivo, yeast-based growth rate assay (Delimitsou A et al. Hum. Mutat., 2019 05;40:631-648). This amino acid position is highly conserved in available vertebrate species. In addition, the in silico prediction for this alteration is inconclusive. Since supporting evidence is limited at this time, the clinical significance of this alteration remains unclear.

Literature cited by the submitters: PubMed 30851065 (cited by 3 submitters); PubMed 12533788 (cited by Ambry Genetics); PubMed 16835864 (cited by Ambry Genetics); PubMed 22419737 (cited by Ambry Genetics).